The following is an entry in ClinVar:

ClinVar aggregate classification (germline): Benign/Likely benign. Review status: criteria provided, multiple submitters, no conflicts (2 of 4 stars). 3 submissions from 3 submitters: Benign (1); Likely benign (2). Last evaluated 2025-03-31.

Conditions:
Hypouricemia, renal, 2. Also called: HYPOURICEMIA, RENAL, 2, AUTOSOMAL DOMINANT; HYPOURICEMIA, RENAL, 2, AUTOSOMAL RECESSIVE. Identifiers: MedGen C2677549, MONDO:0012793, OMIM 612076.

Allele frequency attached by ClinVar (database versions not stated): gnomAD exomes 0.00001 and 0.00002; ExAC 0.00002; gnomAD 0.00002; TOPMed 0.00002.
gnomAD v4.1: 21 of 1,614,044 alleles (0.0013%); highest among the groups gnomAD compares: East Asian, 0.0022%; no homozygotes.

Submissions (3):

Labcorp Genetics (formerly Invitae), Labcorp
Classification: Likely benign. Last evaluated: 2025-03-31. Review status: criteria provided, single submitter. Criteria: Invitae Variant Classification Sherloc (09022015). Collection method: clinical testing. Allele origin: germline.

Fulgent Genetics
Classification: Likely benign for Hypouricemia, renal, 2. Last evaluated: 2021-08-12. Review status: criteria provided, single submitter. Criteria: ACMG Guidelines, 2015. Collection method: clinical testing. Allele origin: unknown.

Illumina Laboratory Services, Illumina
Classification: Benign for Hypouricemia, renal, 2. Last evaluated: 2018-01-13. Review status: criteria provided, single submitter. Criteria: ICSL Variant Classification Criteria 13 December 2019. Collection method: clinical testing. Allele origin: germline.
Comment: This variant was observed in the ICSL laboratory as part of a predisposition screen in an ostensibly healthy population. It had not been previously curated by ICSL or reported in the Human Gene Mutation Database (HGMD: prior to June 1st, 2018), and was therefore a candidate for classification through an automated scoring system. Utilizing variant allele frequency, disease prevalence and penetrance estimates, and inheritance mode, an automated score was calculated to assess if this variant is too frequent to cause the disease. Based on the score and internal cut-off values, a variant classified as benign is not then subjected to further curation. The score for this variant resulted in a classification of benign for this disease.

NM_020041.3(SLC2A9):c.843C>T (p.Asp281=)

Gene: SLC2A9 (solute carrier family 2 member 9; minus strand). Cytogenetic location: 4p16.1.
Variant type: single nucleotide variant.
Coding change: c.843C>T on transcript NM_020041.3 (MANE Select); coding-DNA position 843, C replaced by T.
Protein change: p.Asp281=; no amino-acid change (aspartic acid 281 retained).
Molecular consequence: synonymous variant.
Genome position (GRCh38, 1-based): chr4:9,920,544, G>A on the plus strand (C>T on the coding strand, the complement: SLC2A9 is on the minus strand). VCF-style: chr4-9920544-G-A. GRCh37 (hg19) VCF-style: chr4-9922168-G-A.
Other names: c.756C>T, p.Asp252= (NM_001001290.2).
Identifiers: ClinVar variation 350216 (VCV000350216.8), dbSNP rs374095603, ClinGen allele CA2857058.
Genomic context (GRCh38, chr4:9,920,544, plus strand): 5'-CAGGCGGATGCTCCTCTGCACGCGGCTCTCAGCCAGGACCTCCTCTACCTCTTGGGAAAC[G>A]TCTGCTTTACCCAAGAACGTTTGGAAGGCTGCAAACAGAGGCACACATGGACTTTCAGCA-3'
Protein context (NP_064425.2, residues 271-291): KAFQTFLGKA[Asp281=]VSQEVEEVLA